The following is an entry in ClinVar:

ClinVar aggregate classification (germline): Uncertain significance (1 of 4 stars; one submission).

Conditions:
Renal cell carcinoma. Identifiers: Orphanet 217071, MedGen C0007134, MeSH D002292, MONDO:0005086, HP:0005584.

Submission:

Labcorp Genetics (formerly Invitae), Labcorp
Classification: Uncertain significance for Renal cell carcinoma. Last evaluated: 2023-07-16. Review status: criteria provided, single submitter. Criteria: Invitae Variant Classification Sherloc (09022015). Collection method: clinical testing. Allele origin: germline.
Comment: In summary, the available evidence is currently insufficient to determine the role of this variant in disease. Therefore, it has been classified as a Variant of Uncertain Significance. Advanced modeling of protein sequence and biophysical properties (such as structural, functional, and spatial information, amino acid conservation, physicochemical variation, residue mobility, and thermodynamic stability) performed at Invitae indicates that this missense variant is not expected to disrupt MET protein function. ClinVar contains an entry for this variant (Variation ID: 956414). This variant has not been reported in the literature in individuals affected with MET-related conditions. This variant is not present in population databases (gnomAD no frequency). This sequence change replaces aspartic acid, which is acidic and polar, with glutamic acid, which is acidic and polar, at codon 190 of the MET protein (p.Asp190Glu).

NM_000245.4(MET):c.570C>G (p.Asp190Glu)

Gene: MET (MET proto-oncogene, receptor tyrosine kinase; plus strand). Cytogenetic location: 7q31.2.
Variant type: single nucleotide variant.
Coding change: c.570C>G on transcript NM_000245.4 (MANE Select); coding-DNA position 570, C replaced by G.
Protein change: p.Asp190Glu; replaces aspartic acid 190 with glutamic acid.
Molecular consequence: missense variant. On other transcripts: intron variant (1).
Genome position (GRCh38, 1-based): chr7:116,699,654, C>G. VCF-style: chr7-116699654-C-G. GRCh37 (hg19) VCF-style: chr7-116339708-C-G.
Other names: c.570C>G, p.Asp190Glu (NM_001127500.3, NM_001324401.3); c.-91+27077C>G (NM_001324402.2); short protein forms D190E.
Identifiers: ClinVar variation 956414 (VCV000956414.9), dbSNP rs1791490183, ClinGen allele CA368969368.